The following is an entry in ClinVar:

NM_002618.4(PEX13):c.433ATG[2] (p.Met147del)

Gene: PEX13 (peroxisomal biogenesis factor 13; plus strand). Cytogenetic location: 2p15.
Variant type: Microsatellite.
Coding change: c.433ATG[2] on transcript NM_002618.4 (MANE Select); two copies in a row of the 3-base unit ATG starting at c.433; the reference has three copies in a row; one copy, 3 bases deleted.
Protein change: p.Met147del; deletes methionine 147.
Genome position (GRCh38, 1-based): chr2:61,031,765-61,031,767, ATG deleted; deleting any 3 consecutive bases within chr2:61,031,759-61,031,767 gives the same sequence; the position shown is the placement nearest the transcript's 3' end. VCF-style (leftmost placement, unchanged base first): chr2-61031758-TATG-T. GRCh37 (hg19) VCF-style: chr2-61258893-TATG-T.
Other names: short protein forms M147del.
Identifiers: ClinVar variation 3028998 (VCV003028998.2), dbSNP rs772323218, ClinGen allele CA1673297.

ClinVar aggregate classification (germline): Likely pathogenic (0 of 4 stars; one submission).

Conditions:
PEX13-related disorder. Also called: PEX13-related disorders; PEX13-related condition.

Submission:

PreventionGenetics, part of Exact Sciences
Classification: Likely pathogenic for PEX13-related condition. Last evaluated: 2024-01-05. Review status: no assertion criteria provided. Collection method: clinical testing. Allele origin: germline.
Comment: The PEX13 c.439_441delATG variant is predicted to result in an in-frame deletion (p.Met147del). This variant was reported in the homozygous state in one individual with Zellweger syndrome (Ebberink. 2011. PubMed ID: 21031596). This variant is reported in 0.0098% of alleles in individuals of South Asian descent in gnomAD. This variant is interpreted as likely pathogenic.